The following is an entry in ClinVar:

NM_001370348.2(PHF3):c.2272G>A (p.Gly758Ser)

Gene: PHF3 (PHD finger protein 3; plus strand). Cytogenetic location: 6q12.
Variant type: single nucleotide variant.
Coding change: c.2272G>A on transcript NM_001370348.2 (MANE Select); coding-DNA position 2272, G replaced by A.
Protein change: p.Gly758Ser; replaces glycine 758 with serine.
Molecular consequence: missense variant.
Genome position (GRCh38, 1-based): chr6:63,691,819, G>A. VCF-style: chr6-63691819-G-A. GRCh37 (hg19) VCF-style: chr6-64401709-G-A.
Other names: c.2008G>A, p.Gly670Ser (NM_001290259.2, NM_001370349.2); c.79G>A, p.Gly27Ser (NM_001370350.2); c.2272G>A, p.Gly758Ser (NM_015153.4); short protein forms G27S, G670S, G758S.
Identifiers: ClinVar variation 2673065 (VCV002673065.23), dbSNP rs150303674, ClinGen allele CA3875861.

ClinVar aggregate classification (germline): Likely benign (1 of 4 stars; one submission).

Allele frequency attached by ClinVar (database versions not stated): gnomAD exomes 0.00032; gnomAD 0.00036; TOPMed 0.00044; ExAC 0.00046; ESP Exome Variant Server 0.00062.
gnomAD v4.1: 570 of 1,613,562 alleles (0.035%); highest among the groups gnomAD compares: Admixed American, 0.012%; 2 homozygotes.

Submission:

CeGaT Center for Human Genetics Tuebingen
Classification: Likely benign. Last evaluated: 2023-11-01. Review status: criteria provided, single submitter. Criteria: CeGaT Center For Human Genetics Tuebingen Variant Classification Criteria Version 2. Collection method: clinical testing. Allele origin: germline. Affected: yes. Observed: 1 variant allele.
Comment: PHF3: BS1